The following is an entry in ClinVar:

NM_001170629.2(CHD8):c.7390A>C (p.Ser2464Arg)

Gene: CHD8 (chromodomain helicase DNA binding protein 8; minus strand). Cytogenetic location: 14q11.2.
Variant type: single nucleotide variant.
Coding change: c.7390A>C on transcript NM_001170629.2 (MANE Select); coding-DNA position 7390, A replaced by C.
Protein change: p.Ser2464Arg; replaces serine 2464 with arginine.
Molecular consequence: missense variant.
Genome position (GRCh38, 1-based): chr14:21,385,969, T>G on the plus strand (A>C on the coding strand, the complement: CHD8 is on the minus strand). VCF-style: chr14-21385969-T-G. GRCh37 (hg19) VCF-style: chr14-21854128-T-G.
Other names: c.6553A>C, p.Ser2185Arg (NM_020920.4); short protein forms S2185R, S2464R.
Identifiers: ClinVar variation 5017580 (VCV005017580.1).

ClinVar aggregate classification (germline): Uncertain significance (1 of 4 stars; one submission).

gnomAD v4.1: 1 of 1,568,234 alleles (0.000064%); highest among the groups gnomAD compares: Non-Finnish European, 0.000087%; no homozygotes.

Submission:

GeneDx
Classification: Uncertain significance. Last evaluated: 2026-03-25. Review status: criteria provided, single submitter. Criteria: GeneDx Variant Classification Process June 2021. Collection method: clinical testing. Allele origin: germline.
Comment: Not observed at significant frequency in large population cohorts (gnomAD); In silico analysis suggests that this missense variant does not alter protein structure/function; Has not been previously published as pathogenic or benign to our knowledge